The following is an entry in ClinVar:

NM_000368.5(TSC1):c.1369A>C (p.Ser457Arg)

Gene: TSC1 (TSC complex subunit 1; minus strand). Cytogenetic location: 9q34.13.
Variant type: single nucleotide variant.
Coding change: c.1369A>C on transcript NM_000368.5 (MANE Select); coding-DNA position 1369, A replaced by C.
Protein change: p.Ser457Arg; replaces serine 457 with arginine.
Molecular consequence: missense variant.
Genome position (GRCh38, 1-based): chr9:132,906,800, T>G on the plus strand (A>C on the coding strand, the complement: TSC1 is on the minus strand). VCF-style: chr9-132906800-T-G. GRCh37 (hg19) VCF-style: chr9-135782187-T-G.
Other names: c.1366A>C, p.Ser456Arg (NM_001162426.2); c.1216A>C, p.Ser406Arg (NM_001162427.2); c.1006A>C, p.Ser336Arg (NM_001362177.2); short protein forms S457R, S456R, S406R, S336R.
Identifiers: ClinVar variation 135363 (VCV000135363.23), dbSNP rs587778722, ClinGen allele CA004748.

ClinVar aggregate classification (germline): Conflicting classifications of pathogenicity. Review status: criteria provided, conflicting classifications (1 of 4 stars). 11 submissions from 11 submitters: Uncertain significance (1); Benign (5); Likely benign (4). 1 of the submissions does not count toward it. Last evaluated 2026-09-05.

Conditions:
TSC1-related disorder. Also called: TSC1-related condition.
Hereditary cancer-predisposing syndrome. Also called: Neoplastic Syndromes, Hereditary; Tumor predisposition; Hereditary Cancer Syndrome; Hereditary neoplastic syndrome. Identifiers: Orphanet 140162, MedGen C0027672, MeSH D009386, MONDO:0015356.
Ovarian cancer. Also called: OVARIAN CANCER, SOMATIC. Identifiers: Orphanet 213500, MedGen C1140680, MONDO:0008170, OMIM 167000.
Tuberous sclerosis syndrome (TSC). Also called: Tuberous Sclerosis Complex; Tuberous sclerosis. Identifiers: Orphanet 805, MedGen C0041341, MONDO:0001734.
Tuberous sclerosis 1 (TSC1). Identifiers: Orphanet 805, MedGen C1854465, MONDO:0008612, OMIM 191100.

Allele frequency attached by ClinVar (database versions not stated): gnomAD 0.00001; gnomAD exomes 0.00001 and 0.00005; TOPMed 0.00001; ExAC 0.00004.
gnomAD v4.1: 10 of 1,614,042 alleles (0.00062%); highest among the groups gnomAD compares: East Asian, 0.022%; no homozygotes.

Submissions (11):

PreventionGenetics, part of Exact Sciences
Classification: Benign for TSC1-related condition. Last evaluated: 2026-09-05. Review status: criteria provided, single submitter. Criteria: ACMG Guidelines, 2015. Collection method: clinical testing. Allele origin: germline.
Comment: This variant is classified as benign based on ACMG/AMP sequence variant interpretation guidelines (Richards et al. 2015 PMID: 25741868, with internal and published modifications).

Labcorp Genetics (formerly Invitae), Labcorp
Classification: Benign for Tuberous sclerosis 1. Last evaluated: 2026-01-16. Review status: criteria provided, single submitter. Criteria: Invitae Variant Classification Sherloc (09022015). Collection method: clinical testing. Allele origin: germline.

Myriad Genetics, Inc.
Classification: Likely benign for Tuberous sclerosis 1. Last evaluated: 2024-08-08. Review status: criteria provided, single submitter. Criteria: Myriad Autosomal Dominant, Autosomal Recessive and X-Linked Classification Criteria (2023). Collection method: clinical testing. Allele origin: unknown.
Comment: This variant is considered likely benign. This variant has been observed at a population frequency that is significantly greater than expected given the associated disease prevalence and penetrance.

All of Us Research Program, National Institutes of Health
Classification: Uncertain significance for Tuberous sclerosis syndrome. Last evaluated: 2023-06-28. Review status: criteria provided, single submitter. Criteria: ACMG Guidelines, 2015. Collection method: clinical testing. Allele origin: germline. Inheritance: Autosomal dominant inheritance. Observed: 1 variant allele, 1 heterozygote.
Comment: This study involves interpretation of variants in research participants for the purpose of population health screening. Participant phenotype was not available at the time of variant classification. Additional details can be found in publication PMID: 35346344, PMCID: PMC8962531

Color Diagnostics, LLC DBA Color Health
Classification: Benign for Tuberous sclerosis syndrome. Last evaluated: 2023-01-15. Review status: criteria provided, single submitter. Criteria: ACMG Guidelines, 2015. Collection method: clinical testing. Allele origin: germline.

Ambry Genetics
Classification: Benign for Hereditary cancer-predisposing syndrome. Last evaluated: 2022-04-06. Review status: criteria provided, single submitter. Criteria: Ambry Variant Classification Scheme 2023. Collection method: clinical testing. Allele origin: germline.

Laboratory of Molecular Epidemiology of Birth Defects, West China Second University Hospital, Sichuan University
Classification: Benign for Ovarian cancer. Last evaluated: 2022-01-01. Review status: criteria provided, single submitter. Criteria: ACMG Guidelines, 2015. Collection method: clinical testing. Allele origin: germline. Affected: yes.

Sema4
Classification: Likely benign for Hereditary cancer-predisposing syndrome. Last evaluated: 2021-12-22. Review status: criteria provided, single submitter. Criteria: Sema4 Curation Guidelines. Collection method: curation. Allele origin: germline.

Genome-Nilou Lab
Classification: Likely benign for Tuberous sclerosis 1. Last evaluated: 2021-11-07. Review status: criteria provided, single submitter. Criteria: ACMG Guidelines, 2015. Collection method: clinical testing. Allele origin: germline. Affected: no.

GeneDx
Classification: Likely benign. Last evaluated: 2018-10-15. Review status: criteria provided, single submitter. Criteria: GeneDx Variant Classification Process June 2021. Collection method: clinical testing. Allele origin: germline. Affected: yes.
Comment: This variant is associated with the following publications: (PMID: 24728327)

ITMI
No classification provided. Condition: AllHighlyPenetrant. Last evaluated: 2013-09-19. Review status: no classification provided. Collection method: reference population. Allele origin: germline. Not counted in ClinVar's aggregate classification.
Comment: Please see associated publication for description of ethnicities

Literature cited by the submitters: PubMed 24728327 (cited by ITMI).